The following is an entry in ClinVar:

ClinVar aggregate classification (germline): Uncertain significance (1 of 4 stars; one submission).

Conditions:
Vici syndrome (VICIS). Identifiers: Orphanet 1493, MedGen C1855772, MONDO:0009452, OMIM 242840.

Allele frequency attached by ClinVar (database versions not stated): gnomAD exomes below 0.00001; TOPMed below 0.00001.
gnomAD v4.1: 4 of 1,614,090 alleles (0.00025%); highest among the groups gnomAD compares: Middle Eastern, 0.05%; no homozygotes.

Submission:

Labcorp Genetics (formerly Invitae), Labcorp
Classification: Uncertain significance for Vici syndrome. Last evaluated: 2022-06-13. Review status: criteria provided, single submitter. Criteria: Invitae Variant Classification Sherloc (09022015). Collection method: clinical testing. Allele origin: germline.
Comment: This sequence change replaces glutamine, which is neutral and polar, with histidine, which is basic and polar, at codon 673 of the EPG5 protein (p.Gln673His). This variant is not present in population databases (gnomAD no frequency). This variant has not been reported in the literature in individuals affected with EPG5-related conditions. Algorithms developed to predict the effect of missense changes on protein structure and function output the following: SIFT: "Tolerated"; PolyPhen-2: "Probably Damaging"; Align-GVGD: "Class C0". The histidine amino acid residue is found in multiple mammalian species, which suggests that this missense change does not adversely affect protein function. In summary, the available evidence is currently insufficient to determine the role of this variant in disease. Therefore, it has been classified as a Variant of Uncertain Significance.

NM_020964.3(EPG5):c.2019G>T (p.Gln673His)

Gene: EPG5 (ectopic P-granules 5 autophagy tethering factor; minus strand). Cytogenetic location: 18q21.1.
Variant type: single nucleotide variant.
Coding change: c.2019G>T on transcript NM_020964.3 (MANE Select); coding-DNA position 2019, G replaced by T.
Protein change: p.Gln673His; replaces glutamine 673 with histidine.
Molecular consequence: missense variant.
Genome position (GRCh38, 1-based): chr18:45,939,680, C>A on the plus strand (G>T on the coding strand, the complement: EPG5 is on the minus strand). VCF-style: chr18-45939680-C-A. GRCh37 (hg19) VCF-style: chr18-43519646-C-A.
Other names: short protein forms Q673H.
Identifiers: ClinVar variation 1372264 (VCV001372264.6), dbSNP rs928367570, ClinGen allele CA299782016.